The following is an entry in ClinVar:

ClinVar aggregate classification (germline): Uncertain significance. Review status: criteria provided, single submitter (1 of 4 stars). 2 submissions from 2 submitters: Uncertain significance (1). 1 of the submissions does not count toward it. Last evaluated 2022-11-17.

Conditions:
NCOA1-related disorder. Also called: NCOA1-related condition.

Allele frequency attached by ClinVar (database versions not stated): TOPMed below 0.00001; ExAC 0.00001; gnomAD exomes 0.00001.
gnomAD v4.1: 8 of 1,612,066 alleles (0.0005%); highest among the groups gnomAD compares: Non-Finnish European, 0.00068%; no homozygotes.

Submissions (2):

Ambry Genetics
Classification: Uncertain significance. Last evaluated: 2022-11-17. Review status: criteria provided, single submitter. Criteria: Ambry Variant Classification Scheme 2023. Collection method: clinical testing. Allele origin: germline.

PreventionGenetics, part of Exact Sciences
Classification: Uncertain significance for NCOA1-related condition. Last evaluated: 2024-09-17. Review status: no assertion criteria provided. Collection method: clinical testing. Allele origin: germline. Not counted in ClinVar's aggregate classification.
Comment: The NCOA1 c.1117C>T variant is predicted to result in the amino acid substitution p.Pro373Ser. To our knowledge, this variant has not been reported in the literature. This variant is reported in 0.0018% of alleles in individuals of European (Non-Finnish) descent in gnomAD. At this time, the clinical significance of this variant is uncertain due to the absence of conclusive functional and genetic evidence.

NM_003743.5(NCOA1):c.1117C>T (p.Pro373Ser)

Gene: NCOA1 (nuclear receptor coactivator 1; plus strand). Cytogenetic location: 2p23.3.
Variant type: single nucleotide variant.
Coding change: c.1117C>T on transcript NM_003743.5 (MANE Select); coding-DNA position 1117, C replaced by T.
Protein change: p.Pro373Ser; replaces proline 373 with serine.
Molecular consequence: missense variant.
Genome position (GRCh38, 1-based): chr2:24,706,587, C>T. VCF-style: chr2-24706587-C-T. GRCh37 (hg19) VCF-style: chr2-24929456-C-T.
Other names: c.1117C>T, p.Pro373Ser (NM_001362950.1, NM_001362952.1, NM_001362954.1 and 3 more transcripts); short protein forms P373S.
Identifiers: ClinVar variation 2366097 (VCV002366097.4), dbSNP rs780018468, ClinGen allele CA1552187.